The following is an entry in ClinVar:

ClinVar aggregate classification (germline): Likely pathogenic. Review status: criteria provided, multiple submitters, no conflicts (2 of 4 stars). 3 submissions from 3 submitters: Likely pathogenic (2). 1 of the submissions does not count toward it. Last evaluated 2024-01-21.

Conditions:
Spastic paraplegia. Identifiers: MedGen C0037772, HP:0001258.
Hereditary spastic paraplegia 15 (SPG15). Also called: SPASTIC PARAPLEGIA 15, AUTOSOMAL RECESSIVE; KJELLIN SYNDROME; SPASTIC PARAPLEGIA AND RETINAL DEGENERATION. Identifiers: Orphanet 100996, MedGen C1849128, MONDO:0010044, OMIM 270700.

Allele frequency attached by ClinVar (database versions not stated): TOPMed below 0.00001; ExAC 0.00001; gnomAD exomes 0.00001 and 0.00002.
gnomAD v4.1: 3 of 1,614,100 alleles (0.00019%); highest among the groups gnomAD compares: East Asian, 0.0067%; no homozygotes.

Submissions (3):

Labcorp Genetics (formerly Invitae), Labcorp
Classification: Likely pathogenic for Spastic paraplegia. Last evaluated: 2024-01-21. Review status: criteria provided, single submitter. Criteria: Invitae Variant Classification Sherloc (09022015). Collection method: clinical testing. Allele origin: germline.
Comment: This sequence change affects a donor splice site in intron 17 of the ZFYVE26 gene. It is expected to disrupt RNA splicing. Variants that disrupt the donor or acceptor splice site typically lead to a loss of protein function (PMID: 16199547), and loss-of-function variants in ZFYVE26 are known to be pathogenic (PMID: 18394578, 19805727). This variant is present in population databases (rs767164213, gnomAD 0.02%). This variant has not been reported in the literature in individuals affected with ZFYVE26-related conditions. ClinVar contains an entry for this variant (Variation ID: 552399). Algorithms developed to predict the effect of sequence changes on RNA splicing suggest that this variant may disrupt the consensus splice site. In summary, the currently available evidence indicates that the variant is pathogenic, but additional data are needed to prove that conclusively. Therefore, this variant has been classified as Likely Pathogenic.

Revvity Omics, Revvity
Classification: Likely pathogenic for Hereditary spastic paraplegia 15. Last evaluated: 2023-08-09. Review status: criteria provided, single submitter. Criteria: ACMG Guidelines, 2015. Collection method: clinical testing. Allele origin: germline.

Counsyl
Classification: Likely pathogenic for Hereditary spastic paraplegia 15. Last evaluated: 2017-06-19. Review status: no assertion criteria provided. Collection method: clinical testing. Allele origin: unknown. Not counted in ClinVar's aggregate classification.

Literature cited by the submitters: PubMed 16199547 (cited by Labcorp Genetics (formerly Invitae), Labcorp); PubMed 18394578 (cited by Labcorp Genetics (formerly Invitae), Labcorp); PubMed 19805727 (cited by Labcorp Genetics (formerly Invitae), Labcorp).

NM_015346.4(ZFYVE26):c.3139+2T>G

Gene: ZFYVE26 (zinc finger FYVE-type containing 26; minus strand). Cytogenetic location: 14q24.1.
Variant type: single nucleotide variant.
Coding change: c.3139+2T>G on transcript NM_015346.4 (MANE Select); the canonical splice donor site of the intron after coding-DNA position 3139, T replaced by G.
Molecular consequence: splice donor variant.
Genome position (GRCh38, 1-based): chr14:67,786,112, A>C on the plus strand (T>G on the coding strand, the complement: ZFYVE26 is on the minus strand). VCF-style: chr14-67786112-A-C. GRCh37 (hg19) VCF-style: chr14-68252829-A-C.
Identifiers: ClinVar variation 552399 (VCV000552399.17), dbSNP rs767164213, ClinGen allele CA7240071.